The following is an entry in ClinVar:

ClinVar aggregate classification (germline): Conflicting classifications of pathogenicity. Review status: criteria provided, conflicting classifications (1 of 4 stars). 5 submissions from 5 submitters: Pathogenic (1); Likely pathogenic (1); Uncertain significance (1). 2 of the submissions do not count toward it. Last evaluated 2025-02-23.

Conditions:
Medium-chain acyl-coenzyme A dehydrogenase deficiency (ACADMD). Also called: MCADD; MCAD Deficiency; CARNITINE DEFICIENCY SECONDARY TO MEDIUM-CHAIN ACYL-CoA DEHYDROGENASE DEFICIENCY; ACADM DEFICIENCY; MCADH DEFICIENCY; Medium chain acyl-CoA dehydrogenase deficiency. Identifiers: Orphanet 42, MedGen C0220710, MONDO:0008721, OMIM 201450.

Allele frequency attached by ClinVar (database versions not stated): gnomAD exomes 0.00001 and 0.00002; TOPMed 0.00002; ExAC 0.00003.

Submissions (5):

Labcorp Genetics (formerly Invitae), Labcorp
Classification: Pathogenic for Medium-chain acyl-coenzyme A dehydrogenase deficiency. Last evaluated: 2025-02-23. Review status: criteria provided, single submitter. Criteria: Invitae Variant Classification Sherloc (09022015). Collection method: clinical testing. Allele origin: germline.
Comment: This sequence change falls in intron 8 of the ACADM gene. It does not directly change the encoded amino acid sequence of the ACADM protein. This variant is present in population databases (rs746483754, gnomAD 0.007%). This variant has been observed in individual(s) with medium-chain acyl-coenzyme A dehydrogenase deficiency (PMID: 20434380, 21083904; internal data). This variant is also known as IVS8-13A>G. ClinVar contains an entry for this variant (Variation ID: 198979). Algorithms developed to predict the effect of sequence changes on RNA splicing suggest that this variant may create or strengthen a splice site. For these reasons, this variant has been classified as Pathogenic.

Baylor Genetics
Classification: Likely pathogenic for Medium-chain acyl-coenzyme A dehydrogenase deficiency. Last evaluated: 2024-01-23. Review status: criteria provided, single submitter. Criteria: ACMG Guidelines, 2015. Collection method: clinical testing. Allele origin: unknown.

Eurofins Ntd Llc (ga)
Classification: Uncertain significance. Last evaluated: 2015-05-18. Review status: criteria provided, single submitter. Criteria: EGL Classification Definitions 2015. Collection method: clinical testing. Allele origin: germline. Observed: 1 variant allele, 1 heterozygote.

Natera, Inc.
Classification: Uncertain significance for Medium Chain Acyl-CoA Dehydrogenase Deficiency. Last evaluated: 2017-12-01. Review status: no assertion criteria provided. Collection method: clinical testing. Allele origin: germline. Not counted in ClinVar's aggregate classification.

Counsyl
Classification: Uncertain significance for Medium-chain acyl-coenzyme A dehydrogenase deficiency. Last evaluated: 2017-09-27. Review status: no assertion criteria provided. Collection method: clinical testing. Allele origin: unknown. Not counted in ClinVar's aggregate classification.

Literature cited by the submitters: PubMed 20434380 (cited by Labcorp Genetics (formerly Invitae), Labcorp and Counsyl); PubMed 21083904 (cited by Labcorp Genetics (formerly Invitae), Labcorp and Counsyl).

NM_000016.6(ACADM):c.709-13A>G

Gene: ACADM (acyl-CoA dehydrogenase medium chain; plus strand). Cytogenetic location: 1p31.1.
Variant type: single nucleotide variant.
Coding change: c.709-13A>G on transcript NM_000016.6 (MANE Select); 13 bases into the intron before coding-DNA position 709, A replaced by G.
Molecular consequence: intron variant.
Genome position (GRCh38, 1-based): chr1:75,749,406, A>G. VCF-style: chr1-75749406-A-G. GRCh37 (hg19) VCF-style: chr1-76215091-A-G.
Other names: c.721-13A>G (NM_001127328.3); c.808-13A>G (NM_001286043.2); c.601-13A>G (NM_001286042.2); c.142-13A>G (NM_001286044.2).
Identifiers: ClinVar variation 198979 (VCV000198979.18), dbSNP rs746483754, ClinGen allele CA247925.